The following is an entry in ClinVar:

ClinVar aggregate classification (germline): Pathogenic (1 of 4 stars; one submission).

Conditions:
Autosomal recessive limb-girdle muscular dystrophy type R18 (LGMDR18). Also called: Limb-girdle muscular dystrophy, type 2S; MUSCULAR DYSTROPHY, LIMB-GIRDLE, AUTOSOMAL RECESSIVE 18; Autosomal recessive limb-girdle muscular dystrophy type 2S. Identifiers: Orphanet 369840, MedGen C4517996, MONDO:0014144, OMIM 615356.

Allele frequency attached by ClinVar (database versions not stated): gnomAD exomes below 0.00001.

Submission:

Labcorp Genetics (formerly Invitae), Labcorp
Classification: Pathogenic for Autosomal recessive limb-girdle muscular dystrophy type R18. Last evaluated: 2023-07-20. Review status: criteria provided, single submitter. Criteria: Invitae Variant Classification Sherloc (09022015). Collection method: clinical testing. Allele origin: germline.
Comment: This sequence change creates a premature translational stop signal (p.Val124Serfs*16) in the TRAPPC11 gene. It is expected to result in an absent or disrupted protein product. Loss-of-function variants in TRAPPC11 are known to be pathogenic (PMID: 23830518, 26322222). This variant is not present in population databases (gnomAD no frequency). This variant has not been reported in the literature in individuals affected with TRAPPC11-related conditions. ClinVar contains an entry for this variant (Variation ID: 2135671). For these reasons, this variant has been classified as Pathogenic.

Literature cited by the submitters: PubMed 23830518; PubMed 26322222.

NM_021942.6(TRAPPC11):c.370del (p.Val124fs)

Gene: TRAPPC11 (trafficking protein particle complex subunit 11; plus strand). Cytogenetic location: 4q35.1.
Variant type: Deletion.
Coding change: c.370del on transcript NM_021942.6 (MANE Select); coding-DNA position 370, one base deleted (G; older notation c.370delG).
Protein change: p.Val124fs; shifts the reading frame from valine 124.
Molecular consequence: frameshift variant.
Genome position (GRCh38, 1-based): chr4:183,666,422, G deleted. VCF-style (leftmost placement, unchanged base first): chr4-183666421-AG-A. GRCh37 (hg19) VCF-style: chr4-184587574-AG-A.
Other names: c.370del, p.Val124fs (NM_199053.3); short protein forms V124fs.
Identifiers: ClinVar variation 2135671 (VCV002135671.4), dbSNP rs2477083128, ClinGen allele CA2580071680.
Genomic context (GRCh38, chr4:183,666,421, plus strand): 5'-GGACTGGGATGAGCCTCAGTGGAAAGAAAAGCAGTCTGAGTGCGCCACCAGAGTGGAAAT[AG>A]TCAGGTATGATCTTCTGTGTCAGGGCAGCTATGTCAGTTTGCACATGTGTGTTATTCACT-3'